The following is an entry in ClinVar:

NM_001377.3(DYNC2H1):c.2205+1G>A

Gene: DYNC2H1 (dynein cytoplasmic 2 heavy chain 1; plus strand). Cytogenetic location: 11q22.3.
Variant type: single nucleotide variant.
Coding change: c.2205+1G>A on transcript NM_001377.3 (MANE Select); the canonical splice donor site of the intron after coding-DNA position 2205, G replaced by A.
Molecular consequence: splice donor variant.
Genome position (GRCh38, 1-based): chr11:103,134,420, G>A. VCF-style: chr11-103134420-G-A. GRCh37 (hg19) VCF-style: chr11-103005149-G-A.
Other names: c.2205+1G>A (NM_001080463.2).
Identifiers: ClinVar variation 3902782 (VCV003902782.1).
Genomic context (GRCh38, chr11:103,134,420, plus strand): 5'-CAGCGCTGGAAAGATGGATTACAAGAATTGAGAACTGGCTTAGCAACTGTAGAAGCACAG[G>A]TAGAGTATGTTTTATTTTGTGTGTATACTTTGAAATATGACCTTTTCAGAATGTAAGTAC-3'

ClinVar aggregate classification (germline): Likely pathogenic (1 of 4 stars; one submission).

Conditions:
Asphyxiating thoracic dystrophy 3. Also called: SHORT-RIB THORACIC DYSPLASIA 3 WITH OR WITHOUT POLYDACTYLY; POLYDACTYLY WITH NEONATAL CHONDRODYSTROPHY, TYPE I; SHORT-RIB THORACIC DYSPLASIA 3/6 WITH POLYDACTYLY, DIGENIC; Short rib polydactyly syndrome 2B; Saldino-Noonan Syndrome. Identifiers: Orphanet 474, Orphanet 93269, Orphanet 93270, Orphanet 93271, MedGen C0036069, MONDO:0013127, OMIM 613091.

Submission:

Women's Health and Genetics/Laboratory Corporation of America, LabCorp
Classification: Likely pathogenic for Asphyxiating thoracic dystrophy 3. Last evaluated: 2025-05-21. Review status: criteria provided, single submitter. Criteria: LabCorp Variant Classification Summary - May 2015. Collection method: clinical testing. Allele origin: germline.
Comment: Variant summary: DYNC2H1 c.2205+1G>A is located in a canonical splice-site and is predicted to affect mRNA splicing resulting in a significantly altered protein due to either exon skipping, shortening, or inclusion of intronic material. Variants that disrupt the consensus splice site are a relatively common cause of aberrant splicing and loss of DYNC2H1 function. Computational tools predict a significant impact on normal splicing: Three predict the variant abolishes a canonical 5' splicing donor site. However, these predictions have yet to be confirmed by functional studies. The variant was absent in 245658 control chromosomes (gnomAD). To our knowledge, no occurrence of c.2205+1G>A in individuals affected with Short-rib thoracic dysplasia and no experimental evidence demonstrating its impact on protein function have been reported. No submitters have cited clinical-significance assessments for this variant to ClinVar. Based on the evidence outlined above, the variant was classified as likely pathogenic.